The following is an entry in ClinVar:

NM_006346.4(PIBF1):c.714T>C (p.Ile238=)

Gene: PIBF1 (progesterone immunomodulatory binding factor 1; plus strand). Cytogenetic location: 13q22.1.
Variant type: single nucleotide variant.
Coding change: c.714T>C on transcript NM_006346.4 (MANE Select); coding-DNA position 714, T replaced by C.
Protein change: p.Ile238=; no amino-acid change (isoleucine 238 retained).
Molecular consequence: synonymous variant. On other transcripts: non-coding transcript variant (2).
Genome position (GRCh38, 1-based): chr13:72,821,890, T>C. VCF-style: chr13-72821890-T-C. GRCh37 (hg19) VCF-style: chr13-73396028-T-C.
Other names: c.714T>C, p.Ile238= (NM_001349655.2).
Identifiers: ClinVar variation 2643843 (VCV002643843.24), dbSNP rs772913134, ClinGen allele CA7002030.

ClinVar aggregate classification (germline): Likely benign (1 of 4 stars; one submission).

Allele frequency attached by ClinVar (database versions not stated): gnomAD exomes below 0.00001; ExAC 0.00001.
gnomAD v4.1: 2 of 1,612,782 alleles (0.00012%); highest among the groups gnomAD compares: Middle Eastern, 0.017%; no homozygotes.

Submission:

CeGaT Center for Human Genetics Tuebingen
Classification: Likely benign. Last evaluated: 2022-05-01. Review status: criteria provided, single submitter. Criteria: CeGaT Center For Human Genetics Tuebingen Variant Classification Criteria Version 2. Collection method: clinical testing. Allele origin: germline. Affected: yes. Observed: 1 variant allele.
Comment: PIBF1: BP4, BP7